The following is an entry in ClinVar:

NM_000719.7(CACNA1C):c.5190CAA[1] (p.Asn1731del)

Genes: CACNA1C (calcium voltage-gated channel subunit alpha1 C; plus strand), CACNA1C-AS1 (CACNA1C antisense RNA 1; minus strand). Cytogenetic location: 12p13.33.
Variant type: Microsatellite.
Coding change: c.5190CAA[1] on transcript NM_000719.7 (MANE Select); one copy of the 3-base unit CAA starting at c.5190; the reference has two copies in a row; one copy, 3 bases deleted.
Protein change: p.Asn1731del; deletes asparagine 1731.
Molecular consequence: inframe deletion. On other transcripts: inframe indel (1).
Genome position (GRCh38, 1-based): chr12:2,679,545-2,679,547, CAA deleted; deleting any 3 consecutive bases within chr12:2,679,542-2,679,547 gives the same sequence; the position shown is the placement nearest the transcript's 3' end. VCF-style (leftmost placement, unchanged base first): chr12-2679541-TCAA-T. GRCh37 (hg19) VCF-style: chr12-2788707-TCAA-T.
Other names: c.5190CAA[1], p.Asn1731del (NM_001129842.2, NM_001129843.2, NM_001167623.2 and 4 more transcripts); c.5181CAA[1], p.Asn1728del (NM_001129844.2); c.5157CAA[1], p.Asn1720del (NM_001129846.2, NM_001167625.2); c.5334CAA[1], p.Asn1779del (NM_199460.4, NM_001129827.2); c.5190_5192CAA[1], p.Asn1731del (NM_000719.6); c.5313CAA[1], p.Asn1772del (NM_001129829.2); c.5274CAA[1], p.Asn1759del (NM_001129831.2); c.5250CAA[1], p.Asn1751del (NM_001129832.2); and 5 more; short protein forms N1720del, N1731del, N1759del, N1772del, N1728del, N1739del, N1748del, N1751del.
Identifiers: ClinVar variation 1959004 (VCV001959004.6), dbSNP rs2097020688, ClinGen allele CA944104991.

ClinVar aggregate classification (germline): Uncertain significance. Review status: criteria provided, multiple submitters, no conflicts (2 of 4 stars). 2 submissions from 2 submitters: Uncertain significance (2). Last evaluated 2025-03-21.

Conditions:
Cardiovascular phenotype. Identifiers: MedGen CN230736.
Long QT syndrome (LQTS). Identifiers: MedGen C0023976, MeSH D008133, MONDO:0002442. Disease mechanism: loss of function. Inheritance: Various modes of inheritance.

Submissions (2):

Ambry Genetics
Classification: Uncertain significance for Cardiovascular phenotype. Last evaluated: 2025-03-21. Review status: criteria provided, single submitter. Criteria: Ambry Variant Classification Scheme 2023. Collection method: clinical testing. Allele origin: germline.
Comment: The c.5193_5195delCAA variant (also known as p.N1731del) is located in coding exon 42 of the CACNA1C gene. This variant results from an in-frame CAA deletion at nucleotide positions 5193 to 5195. This results in the in-frame deletion of an asparagine at codon 1731. This amino acid position is not well conserved in available vertebrate species. In addition, the in silico prediction for this alteration is inconclusive (Choi Y et al. PLoS ONE. 2012; 7(10):e46688). Based on the available evidence, the clinical significance of this variant remains unclear.

Labcorp Genetics (formerly Invitae), Labcorp
Classification: Uncertain significance for Long QT syndrome. Last evaluated: 2022-03-15. Review status: criteria provided, single submitter. Criteria: Invitae Variant Classification Sherloc (09022015). Collection method: clinical testing. Allele origin: germline.
Comment: This variant is not present in population databases (gnomAD no frequency). In summary, the available evidence is currently insufficient to determine the role of this variant in disease. Therefore, it has been classified as a Variant of Uncertain Significance. Experimental studies and prediction algorithms are not available or were not evaluated, and the functional significance of this variant is currently unknown. This variant has not been reported in the literature in individuals affected with CACNA1C-related conditions. This variant, c.5193_5195del, results in the deletion of 1 amino acid(s) of the CACNA1C protein (p.Asn1731del), but otherwise preserves the integrity of the reading frame.